The following is an entry in ClinVar:

ClinVar aggregate classification (germline): Uncertain significance (1 of 4 stars; one submission).

Conditions:
Arterial tortuosity syndrome (ATORS). Identifiers: Orphanet 3342, MedGen C1859726, MONDO:0008818, OMIM 208050.

Submissions (2):

Labcorp Genetics (formerly Invitae), Labcorp
Classification: Uncertain significance for Arterial tortuosity syndrome. Last evaluated: 2024-10-22. Review status: criteria provided, single submitter. Criteria: Invitae Variant Classification Sherloc (09022015). Collection method: clinical testing. Allele origin: germline.
Comment: This sequence change affects an acceptor splice site in intron 4 of the SLC2A10 gene. While this variant is not anticipated to result in nonsense mediated decay, it likely alters RNA splicing and results in a disrupted protein product. This variant is not present in population databases (gnomAD no frequency). This variant has not been reported in the literature in individuals affected with SLC2A10-related conditions. ClinVar contains an entry for this variant (Variation ID: 1508678). Variants that disrupt the consensus splice site are a relatively common cause of aberrant splicing (PMID: 17576681, 9536098). Algorithms developed to predict the effect of sequence changes on RNA splicing suggest that this variant may disrupt the consensus splice site. In summary, the available evidence is currently insufficient to determine the role of this variant in disease. Therefore, it has been classified as a Variant of Uncertain Significance.

Dr. Peter K. Rogan Lab, Western University
No classification provided (evidence only). Condition: Ovarian serous cystadenocarcinoma. Review status: no classification provided. Collection method: in vitro. Allele origin: not applicable. Functional consequence: retained intron. Not counted in ClinVar's aggregate classification.

Literature cited by the submitters: PubMed 17576681 (cited by Labcorp Genetics (formerly Invitae), Labcorp); PubMed 9536098 (cited by Labcorp Genetics (formerly Invitae), Labcorp).

NM_030777.4(SLC2A10):c.1548-2A>T

Gene: SLC2A10 (solute carrier family 2 member 10; plus strand). Cytogenetic location: 20q13.12.
Variant type: single nucleotide variant.
Coding change: c.1548-2A>T on transcript NM_030777.4 (MANE Select); the canonical splice acceptor site of the intron before coding-DNA position 1548, A replaced by T.
Molecular consequence: splice acceptor variant.
Genome position (GRCh38, 1-based): chr20:46,733,754, A>T. VCF-style: chr20-46733754-A-T. GRCh37 (hg19) VCF-style: chr20-45362393-A-T.
Identifiers: ClinVar variation 1508678 (VCV001508678.7), dbSNP rs2123074047, ClinGen allele CA409274525.